The following is an entry in ClinVar:

NM_025103.4(IFT74):c.85C>G (p.Arg29Gly)

Gene: IFT74 (intraflagellar transport 74; plus strand). Cytogenetic location: 9p21.2.
Variant type: single nucleotide variant.
Coding change: c.85C>G on transcript NM_025103.4 (MANE Select); coding-DNA position 85, C replaced by G.
Protein change: p.Arg29Gly; replaces arginine 29 with glycine.
Molecular consequence: missense variant.
Genome position (GRCh38, 1-based): chr9:26,962,052, C>G. VCF-style: chr9-26962052-C-G. GRCh37 (hg19) VCF-style: chr9-26962050-C-G.
Other names: c.85C>G, p.Arg29Gly (NM_001099222.3, NM_001099223.3, NM_001099224.3 and 1 more transcripts); short protein forms R29G.
Identifiers: ClinVar variation 2059043 (VCV002059043.4), dbSNP rs751583919, ClinGen allele CA373120359.

ClinVar aggregate classification (germline): Uncertain significance (1 of 4 stars; one submission).

gnomAD v4.1: 3 of 1,614,042 alleles (0.00019%); highest among the groups gnomAD compares: Non-Finnish European, 0.00017%; no homozygotes.

Submission:

Labcorp Genetics (formerly Invitae), Labcorp
Classification: Uncertain significance. Last evaluated: 2021-12-24. Review status: criteria provided, single submitter. Criteria: Invitae Variant Classification Sherloc (09022015). Collection method: clinical testing. Allele origin: germline.
Comment: In summary, the available evidence is currently insufficient to determine the role of this variant in disease. Therefore, it has been classified as a Variant of Uncertain Significance. Algorithms developed to predict the effect of sequence changes on RNA splicing suggest that this variant may create or strengthen a splice site. Algorithms developed to predict the effect of missense changes on protein structure and function are either unavailable or do not agree on the potential impact of this missense change (SIFT: "Deleterious"; PolyPhen-2: "Possibly Damaging"; Align-GVGD: "Class C0"). This variant has not been reported in the literature in individuals affected with IFT74-related conditions. This variant is present in population databases (no rsID available, gnomAD 0.0009%). This sequence change replaces arginine, which is basic and polar, with glycine, which is neutral and non-polar, at codon 29 of the IFT74 protein (p.Arg29Gly).